The following is an entry in ClinVar:

ClinVar aggregate classification (germline): Uncertain significance (1 of 4 stars; one submission).

Allele frequency attached by ClinVar (database versions not stated): TOPMed 0.00002.

Submission:

GeneDx
Classification: Uncertain significance. Last evaluated: 2021-06-27. Review status: criteria provided, single submitter. Criteria: GeneDx Variant Classification Process June 2021. Collection method: clinical testing. Allele origin: germline. Affected: yes.
Comment: Not observed at significant frequency in large population cohorts (Lek et al., 2016); In silico analysis supports that this missense variant does not alter protein structure/function; Has not been previously published as pathogenic or benign to our knowledge; This variant is associated with the following publications: (PMID: 27535533)

NM_001130823.3(DNMT1):c.3209A>G (p.Lys1070Arg)

Gene: DNMT1 (DNA methyltransferase 1; minus strand). Cytogenetic location: 19p13.2.
Variant type: single nucleotide variant.
Coding change: c.3209A>G on transcript NM_001130823.3 (MANE Select); coding-DNA position 3209, A replaced by G.
Protein change: p.Lys1070Arg; replaces lysine 1070 with arginine.
Molecular consequence: missense variant.
Genome position (GRCh38, 1-based): chr19:10,142,128, T>C on the plus strand (A>G on the coding strand, the complement: DNMT1 is on the minus strand). VCF-style: chr19-10142128-T-C. GRCh37 (hg19) VCF-style: chr19-10252804-T-C.
Other names: c.3161A>G, p.Lys1054Arg (NM_001318730.2, NM_001379.4); c.2846A>G, p.Lys949Arg (NM_001318731.2); short protein forms K1054R, K1070R, K949R.
Identifiers: ClinVar variation 1329807 (VCV001329807.2), dbSNP rs1426702144, ClinGen allele CA403975156.
Genomic context (GRCh38, chr19:10,142,128, plus strand): 5'-ACCTGGACGCACTCGGGCAGGTCCTCCCCATACTCCACGGTGCAGCGGCCCTGCACAGCC[T>C]TGAAGTCCACCACGGCCTCCTCGTCGCTCCAGTAGAGCAGGTTGATGTCTGCGTGGTAGC-3'
Protein context (NP_001124295.1, residues 1060-1080): WSDEEAVVDF[Lys1070Arg]AVQGRCTVEY